The following is an entry in ClinVar:

ClinVar aggregate classification (germline): Conflicting classifications of pathogenicity. Review status: criteria provided, conflicting classifications (1 of 4 stars). 2 submissions from 2 submitters: Uncertain significance (1); Likely benign (1). Last evaluated 2025-10-02.

Conditions:
Intellectual developmental disorder, autosomal dominant 1. Also called: MBD5 Haploinsufficiency; Intellectual disability, autosomal dominant 1. Identifiers: Orphanet 228402, MedGen C1969562, MONDO:0007974, OMIM 156200.
Inborn genetic diseases. Identifiers: MedGen C0950123, MeSH D030342.

Allele frequency attached by ClinVar (database versions not stated): ExAC 0.00001; gnomAD 0.00003; TOPMed 0.00003.
gnomAD v4.1: 14 of 1,613,854 alleles (0.00087%); highest among the groups gnomAD compares: Admixed American, 0.005%; no homozygotes.

Submissions (2):

Ambry Genetics
Classification: Likely benign for Inborn genetic diseases. Last evaluated: 2025-10-02. Review status: criteria provided, single submitter. Criteria: Ambry Variant Classification Scheme 2023. Collection method: clinical testing. Allele origin: germline.

Labcorp Genetics (formerly Invitae), Labcorp
Classification: Uncertain significance for Intellectual developmental disorder, autosomal dominant 1. Last evaluated: 2024-03-19. Review status: criteria provided, single submitter. Criteria: Invitae Variant Classification Sherloc (09022015). Collection method: clinical testing. Allele origin: germline.
Comment: This sequence change replaces threonine, which is neutral and polar, with asparagine, which is neutral and polar, at codon 964 of the MBD5 protein (p.Thr964Asn). This variant is present in population databases (rs750939401, gnomAD 0.004%). This variant has not been reported in the literature in individuals affected with MBD5-related conditions. ClinVar contains an entry for this variant (Variation ID: 2049172). Advanced modeling of protein sequence and biophysical properties (such as structural, functional, and spatial information, amino acid conservation, physicochemical variation, residue mobility, and thermodynamic stability) performed at Invitae indicates that this missense variant is not expected to disrupt MBD5 protein function with a negative predictive value of 80%. In summary, the available evidence is currently insufficient to determine the role of this variant in disease. Therefore, it has been classified as a Variant of Uncertain Significance.

NM_001378120.1(MBD5):c.3590C>A (p.Thr1197Asn)

Gene: MBD5 (methyl-CpG binding domain protein 5; plus strand). Cytogenetic location: 2q23.1.
Variant type: single nucleotide variant.
Coding change: c.3590C>A on transcript NM_001378120.1 (MANE Select); coding-DNA position 3590, C replaced by A.
Protein change: p.Thr1197Asn; replaces threonine 1197 with asparagine.
Molecular consequence: missense variant.
Genome position (GRCh38, 1-based): chr2:148,485,787, C>A. VCF-style: chr2-148485787-C-A. GRCh37 (hg19) VCF-style: chr2-149243356-C-A.
Other names: c.2891C>A (NM_018328.4); c.2891C>A, p.Thr964Asn (NM_018328.5); short protein forms T1197N, T964N.
Identifiers: ClinVar variation 2049172 (VCV002049172.4), dbSNP rs750939401, ClinGen allele CA1900289.